The following is an entry in ClinVar:

NM_001354712.2(THRB):c.1299C>T (p.Ala433=)

Gene: THRB (thyroid hormone receptor beta; minus strand). Cytogenetic location: 3p24.2.
Variant type: single nucleotide variant.
Coding change: c.1299C>T on transcript NM_001354712.2 (MANE Select); coding-DNA position 1299, C replaced by T.
Protein change: p.Ala433=; no amino-acid change (alanine 433 retained).
Molecular consequence: synonymous variant.
Genome position (GRCh38, 1-based): chr3:24,122,971, G>A on the plus strand (C>T on the coding strand, the complement: THRB is on the minus strand). VCF-style: chr3-24122971-G-A. GRCh37 (hg19) VCF-style: chr3-24164462-G-A.
Other names: c.1299C>T, p.Ala433= (NM_000461.5, NM_001128176.3, NM_001128177.2 and 11 more transcripts); c.1206C>T, p.Ala402= (NM_001354714.2, NM_001354715.2); c.1128C>T, p.Ala376= (NM_001374827.1).
Identifiers: ClinVar variation 901811 (VCV000901811.6), dbSNP rs144206187, ClinGen allele CA2287083.

ClinVar aggregate classification (germline): Benign/Likely benign. Review status: criteria provided, multiple submitters, no conflicts (2 of 4 stars). 3 submissions from 3 submitters: Benign (1); Likely benign (2). Last evaluated 2024-11-18.

Conditions:
Thyroid hormone resistance, generalized, autosomal dominant (GRTHD). Also called: HYPERTHYROXINEMIA, FAMILIAL EUTHYROID, SECONDARY TO PITUITARY AND PERIPHERAL RESISTANCE TO THYROID HORMONES. Identifiers: MedGen C2937288, MONDO:0008569, OMIM 188570.

Allele frequency attached by ClinVar (database versions not stated): 1000 Genomes Project 0.00020; TOPMed 0.00023; gnomAD 0.00024 and 0.00026; gnomAD exomes 0.00025 and 0.00028; 1000 Genomes Project 30x 0.00031; ExAC 0.00036; ESP Exome Variant Server 0.00038.
gnomAD v4.1: 407 of 1,614,198 alleles (0.025%); highest among the groups gnomAD compares: Middle Eastern, 0.13%; no homozygotes.

Submissions (3):

Blueprint Genetics
Classification: Likely benign. Last evaluated: 2024-11-18. Review status: criteria provided, single submitter. Criteria: ACMG Guidelines, 2015. Collection method: clinical testing. Allele origin: germline.

Women's Health and Genetics/Laboratory Corporation of America, LabCorp
Classification: Likely benign. Last evaluated: 2023-08-08. Review status: criteria provided, single submitter. Criteria: LabCorp Variant Classification Summary - May 2015. Collection method: clinical testing. Allele origin: germline.
Comment: Variant summary: THRB c.1299C>T alters a conserved nucleotide resulting in a synonymous change. Computational tools predict no significant impact on normal splicing. However, these predictions have yet to be confirmed by functional studies. The variant allele was found at a frequency of 0.00028 in 251472 control chromosomes (i.e., 70 heterozygotes; gnomAD v2 Exomes dataset). The available data on variant occurrences in the general population are insufficient to allow any conclusion about variant significance. To our knowledge, no occurrence of c.1299C>T in individuals affected with Thyroid Hormone Resistance, Generalized, Autosomal Dominant and no experimental evidence demonstrating its impact on protein function have been reported. One submitter has reported clinical-significance assessments for this variant to ClinVar after 2014 and has classified the variant as benign. Based on the evidence outlined above, the variant was classified as likely benign.

Illumina Laboratory Services, Illumina
Classification: Benign for Thyroid hormone resistance, generalized, autosomal dominant. Last evaluated: 2017-04-27. Review status: criteria provided, single submitter. Criteria: ICSL Variant Classification Criteria 13 December 2019. Collection method: clinical testing. Allele origin: germline.
Comment: This variant was observed as part of a predisposition screen in an ostensibly healthy population. A literature search was performed for the gene, cDNA change, and amino acid change (where applicable). Publications were found based on this search. The evidence from the literature, in combination with allele frequency data from public databases where available, was sufficient to rule this variant out of causing disease. Therefore, this variant is classified as benign.

Literature cited by the submitters: PubMed 15771554 (cited by Illumina Laboratory Services, Illumina).